The following is an entry in ClinVar:

ClinVar aggregate classification (germline): Uncertain significance (1 of 4 stars; one submission).

Conditions:
Telangiectasia, hereditary hemorrhagic, type 5 (HHT5). Identifiers: Orphanet 774, MedGen C3809710, MONDO:0014217, OMIM 615506.

Submission:

Labcorp Genetics (formerly Invitae), Labcorp
Classification: Uncertain significance for Telangiectasia, hereditary hemorrhagic, type 5. Last evaluated: 2017-08-04. Review status: criteria provided, single submitter. Criteria: Invitae Variant Classification Sherloc (09022015). Collection method: clinical testing. Allele origin: germline.
Comment: A gross deletion of the genomic region encompassing the full coding sequence of the GDF2 gene has been identified. The boundaries of this event are unknown as the deletion extends beyond the assayed region for this gene and therefore may encompass additional genes. This variant has not been reported in the literature in individuals with GDF2-related disease. The current clinical and genetic evidence is not sufficient to establish whether loss-of-function variants in GDF2 cause disease. In summary, the available evidence is currently insufficient to determine the role of this variant in disease. Therefore, it has been classified as a Variant of Uncertain Significance.

NC_000010.10:g.(?_48413558)_(48416713_?)del

Gene: GDF2 (growth differentiation factor 2; plus strand). Cytogenetic location: 10q11.22.
Variant type: Deletion.
Identifiers: ClinVar variation 474668 (VCV000474668.1).